The following is an entry in ClinVar:

NM_005506.4(SCARB2):c.-44C>A

Gene: SCARB2 (scavenger receptor class B member 2; minus strand). Cytogenetic location: 4q21.1.
Variant type: single nucleotide variant.
Coding change: c.-44C>A on transcript NM_005506.4 (MANE Select); 44 bases upstream of the start codon, C replaced by A.
Molecular consequence: 5 prime UTR variant.
Genome position (GRCh38, 1-based): chr4:76,213,587, G>T on the plus strand (C>A on the coding strand, the complement: SCARB2 is on the minus strand). VCF-style: chr4-76213587-G-T. GRCh37 (hg19) VCF-style: chr4-77134740-G-T.
Other names: c.-44C>A (NM_001204255.2).
Identifiers: ClinVar variation 512610 (VCV000512610.1), dbSNP rs1477651224, ClinGen allele CA552353054.

ClinVar aggregate classification (germline): Likely benign (1 of 4 stars; one submission).

Allele frequency attached by ClinVar (database versions not stated): TOPMed 0.00002; gnomAD 0.00003 and 0.00004.
gnomAD v4.1: 13 of 1,530,312 alleles (0.00085%); highest among the groups gnomAD compares: African/African-American, 0.015%; no homozygotes.

Submission:

GeneDx
Classification: Likely benign. Last evaluated: 2017-10-13. Review status: criteria provided, single submitter. Criteria: GeneDx Variant Classification (06012015). Collection method: clinical testing. Allele origin: germline. Affected: yes.
Comment: This variant is considered likely benign or benign based on one or more of the following criteria: it is a conservative change, it occurs at a poorly conserved position in the protein, it is predicted to be benign by multiple in silico algorithms, and/or has population frequency not consistent with disease.